The following is an entry in ClinVar:

ClinVar aggregate classification (germline): Conflicting classifications of pathogenicity. Review status: criteria provided, conflicting classifications (1 of 4 stars). 4 submissions from 4 submitters: Likely pathogenic (2); Uncertain significance (2). Last evaluated 2026-02-25.

Conditions:
Fatal mitochondrial disease due to combined oxidative phosphorylation defect type 3. Also called: Combined oxidative phosphorylation deficiency 3; ENCEPHALOMYOPATHY, RESPIRATORY FAILURE, AND LACTIC ACIDOSIS. Identifiers: Orphanet 168566, MedGen C1864840, MONDO:0012512, OMIM 610505.

Allele frequency attached by ClinVar (database versions not stated): ExAC 0.00003; gnomAD 0.00003.

Submissions (4):

GeneDx
Classification: Likely pathogenic. Last evaluated: 2026-02-25. Review status: criteria provided, single submitter. Criteria: GeneDx Variant Classification Process June 2021. Collection method: clinical testing. Allele origin: germline.
Comment: Observed with a second TSFM variant in a patient with features of a mitochondrial disease, but it is not known whether the variants occurred on the same (in cis) or on different (in trans) chromosomes (PMID: 32980267); Not observed at significant frequency in large population cohorts (gnomAD); Initiation codon variant in a gene for which loss of function is a known mechanism of disease; This variant is associated with the following publications: (PMID: 23174091, 32980267)

Natera, Inc.
Classification: Likely pathogenic for Combined oxidative phosphorylation deficiency 3. Last evaluated: 2026-01-12. Review status: criteria provided, single submitter. Criteria: Natera Variant Classification Schema (03/2026). Collection method: clinical testing. Allele origin: germline.
Comment: The c.1A>G variant in TSFM is predicted to result in start loss due to disruption of the initiator methionine. This variant is expected to result in nonsense mediated decay, truncation, or a dysfunctional protein product. This variant is rare in the general population with a frequency below the threshold expected for the associated phenotype(s). Given the available evidence, this variant is classified as Likely Pathogenic.

Blueprint Genetics
Classification: Uncertain significance. Last evaluated: 2024-04-22. Review status: criteria provided, single submitter. Criteria: ACMG Guidelines, 2015. Collection method: clinical testing. Allele origin: germline.

Labcorp Genetics (formerly Invitae), Labcorp
Classification: Uncertain significance. Last evaluated: 2022-02-04. Review status: criteria provided, single submitter. Criteria: Invitae Variant Classification Sherloc (09022015). Collection method: clinical testing. Allele origin: germline.
Comment: This sequence change affects the initiator methionine of the TSFM mRNA. The next in-frame methionine is located at codon 51. The frequency data for this variant in the population databases is considered unreliable, as metrics indicate poor data quality at this position in the gnomAD database. This variant has not been reported in the literature in individuals affected with TSFM-related conditions. Algorithms developed to predict the effect of sequence changes on RNA splicing suggest that this variant may create or strengthen a splice site. In summary, the available evidence is currently insufficient to determine the role of this variant in disease. Therefore, it has been classified as a Variant of Uncertain Significance.

NM_005726.6(TSFM):c.1A>G (p.Met1Val)

Gene: TSFM (Ts translation elongation factor, mitochondrial; plus strand). Cytogenetic location: 12q14.1.
Variant type: single nucleotide variant.
Coding change: c.1A>G on transcript NM_005726.6 (MANE Select); coding-DNA position 1, A replaced by G.
Protein change: p.Met1Val; changes the start codon (methionine 1).
Molecular consequence: missense variant, initiator codon variant.
Genome position (GRCh38, 1-based): chr12:57,782,802, A>G. VCF-style: chr12-57782802-A-G. GRCh37 (hg19) VCF-style: chr12-58176585-A-G.
Other names: c.1A>G, p.Met1Val (NM_001172695.2, NM_001172696.2, NM_001172697.2); c.1A>G (NM_001172696.1); short protein forms M1V.
Identifiers: ClinVar variation 2061807 (VCV002061807.7), dbSNP rs768942138, ClinGen allele CA6659171.